The following is an entry in ClinVar:

ClinVar aggregate classification (germline): Uncertain significance (1 of 4 stars; one submission).

Submission:

Labcorp Genetics (formerly Invitae), Labcorp
Classification: Uncertain significance. Last evaluated: 2026-01-16. Review status: criteria provided, single submitter. Criteria: Invitae Variant Classification Sherloc (09022015). Collection method: clinical testing. Allele origin: germline.
Comment: This variant, c.1925_1927del, results in the deletion of 1 amino acid(s) of the MMP9 protein (p.Val642del), but otherwise preserves the integrity of the reading frame. This variant is not present in population databases (gnomAD no frequency). This variant has not been reported in the literature in individuals affected with MMP9-related conditions. Experimental studies and prediction algorithms are not available or were not evaluated, and the functional significance of this variant is currently unknown. In summary, the available evidence is currently insufficient to determine the role of this variant in disease. Therefore, it has been classified as a Variant of Uncertain Significance.

NM_004994.3(MMP9):c.1922TGG[1] (p.Val642del)

Genes: SLC12A5-AS1 (SLC12A5 and MMP9 antisense RNA 1; minus strand), MMP9 (matrix metallopeptidase 9; plus strand), LOC130065978 (ATAC-STARR-seq lymphoblastoid silent region 12969; plus strand). Cytogenetic location: 20q13.12.
Variant type: Microsatellite.
Coding change: c.1922TGG[1] on transcript NM_004994.3 (MANE Select); one copy of the 3-base unit TGG starting at c.1922; the reference has two copies in a row; one copy, 3 bases deleted.
Protein change: p.Val642del; deletes valine 642.
Molecular consequence: inframe deletion. On other transcripts: non-coding transcript variant (1).
Genome position (GRCh38, 1-based): chr20:46,014,394-46,014,396, TGG deleted; deleting any 3 consecutive bases within chr20:46,014,391-46,014,396 gives the same sequence; the position shown is the placement nearest the transcript's 3' end. VCF-style (leftmost placement, unchanged base first): chr20-46014390-ATGG-A. GRCh37 (hg19) VCF-style: chr20-44643029-ATGG-A.
Other names: short protein forms V642del.
Identifiers: ClinVar variation 4731559 (VCV004731559.1).